The following is an entry in ClinVar:

ClinVar aggregate classification (germline): Benign/Likely benign. Review status: criteria provided, multiple submitters, no conflicts (2 of 4 stars). 2 submissions from 2 submitters: Benign (1); Likely benign (1). Last evaluated 2024-02-17.

Allele frequency attached by ClinVar (database versions not stated): gnomAD below 0.00001 and 0.00005; TOPMed 0.00002; gnomAD exomes 0.00010 and 0.00025; ExAC 0.00034; 1000 Genomes Project 30x 0.00047; 1000 Genomes Project 0.00060.
gnomAD v4.1: 160 of 1,611,794 alleles (0.0099%); highest among the groups gnomAD compares: South Asian, 0.16%; 3 homozygotes.

Submissions (2):

Labcorp Genetics (formerly Invitae), Labcorp
Classification: Benign. Last evaluated: 2024-02-17. Review status: criteria provided, single submitter. Criteria: Invitae Variant Classification Sherloc (09022015). Collection method: clinical testing. Allele origin: germline.

Laboratory for Molecular Medicine, Mass General Brigham Personalized Medicine
Classification: Likely benign. Last evaluated: 2016-02-18. Review status: criteria provided, single submitter. Criteria: LMM Criteria. Collection method: clinical testing. Allele origin: germline. Observed: 1 variant allele.
Comment: p.Leu343Leu in exon 11 of MYO3A: This variant is not expected to have clinical s ignificance because it does not alter an amino acid residue and is not located w ithin the splice consensus sequence. It has been identified in 0.25% (41/16498) of South Asian chromosomes by the Exome Aggregation Consortium (ExAC; dbSNP rs544012938).

NM_017433.5(MYO3A):c.1029A>G (p.Leu343=)

Gene: MYO3A (myosin IIIA; plus strand). Cytogenetic location: 10p12.1.
Variant type: single nucleotide variant.
Coding change: c.1029A>G on transcript NM_017433.5 (MANE Select); coding-DNA position 1029, A replaced by G.
Protein change: p.Leu343=; no amino-acid change (leucine 343 retained).
Molecular consequence: synonymous variant.
Genome position (GRCh38, 1-based): chr10:26,067,050, A>G. VCF-style: chr10-26067050-A-G. GRCh37 (hg19) VCF-style: chr10-26355979-A-G.
Identifiers: ClinVar variation 227662 (VCV000227662.12), dbSNP rs544012938, ClinGen allele CA5444529.